The following is an entry in ClinVar:

NM_000384.3(APOB):c.9204A>C (p.Ile3068=)

Gene: APOB (apolipoprotein B; minus strand). Cytogenetic location: 2p24.1.
Variant type: single nucleotide variant.
Coding change: c.9204A>C on transcript NM_000384.3 (MANE Select); coding-DNA position 9204, A replaced by C.
Protein change: p.Ile3068=; no amino-acid change (isoleucine 3068 retained).
Molecular consequence: synonymous variant.
Genome position (GRCh38, 1-based): chr2:21,007,664, T>G on the plus strand (A>C on the coding strand, the complement: APOB is on the minus strand). VCF-style: chr2-21007664-T-G. GRCh37 (hg19) VCF-style: chr2-21230536-T-G.
Other names: c.9204A>C (NM_000384.2).
Identifiers: ClinVar variation 2161884 (VCV002161884.6), dbSNP rs1484118308, ClinGen allele CA425344184.

ClinVar aggregate classification (germline): Likely benign. Review status: criteria provided, single submitter (1 of 4 stars). 2 submissions from 2 submitters: Likely benign (1). 1 of the submissions does not count toward it. Last evaluated 2022-01-16.

Conditions:
APOB-related disorder. Also called: APOB-related condition; APOB-related disorders.
Familial hypobetalipoproteinemia 1. Also called: APOB-Related Familial Hypobetalipoproteinemia; Hypobetalipoproteinemia, normotriglyceridemic; Acanthocytosis with hypobetalipoproteinemia. Identifiers: MedGen C4551990, MONDO:0014252, OMIM 615558.
Hypercholesterolemia, autosomal dominant, type B (FHCL2). Also called: Hyperlipoproteinemia Type IIb; Familial Hypercholesterolemia Type B; APOLIPOPROTEIN B-100, FAMILIAL DEFECTIVE; APOLIPOPROTEIN B-100, FAMILIAL LIGAND-DEFECTIVE; HYPERCHOLESTEROLEMIA, FAMILIAL, DUE TO LIGAND-DEFECTIVE APOLIPOPROTEIN B; APOB-Related Familial Hypercholesterolemia, Autosomal Dominant. Identifiers: MedGen C1704417, MONDO:0007751, OMIM 144010.

Allele frequency attached by ClinVar (database versions not stated): gnomAD exomes 0.00001.

Submissions (2):

Labcorp Genetics (formerly Invitae), Labcorp
Classification: Likely benign for Familial hypobetalipoproteinemia 1; Hypercholesterolemia, autosomal dominant, type B. Last evaluated: 2022-01-16. Review status: criteria provided, single submitter. Criteria: Invitae Variant Classification Sherloc (09022015). Collection method: clinical testing. Allele origin: germline.

PreventionGenetics, part of Exact Sciences
Classification: Likely benign for APOB-related condition. Last evaluated: 2021-10-13. Review status: no assertion criteria provided. Collection method: clinical testing. Allele origin: germline. Not counted in ClinVar's aggregate classification.
Comment: This variant is classified as likely benign based on ACMG/AMP sequence variant interpretation guidelines (Richards et al. 2015 PMID: 25741868, with internal and published modifications).